The following is an entry in ClinVar:

NM_198253.3(TERT):c.1303G>T (p.Val435Leu)

Gene: TERT (telomerase reverse transcriptase; minus strand). Cytogenetic location: 5p15.33.
Variant type: single nucleotide variant.
Coding change: c.1303G>T on transcript NM_198253.3 (MANE Select); coding-DNA position 1303, G replaced by T.
Protein change: p.Val435Leu; replaces valine 435 with leucine.
Molecular consequence: missense variant. On other transcripts: non-coding transcript variant (2).
Genome position (GRCh38, 1-based): chr5:1,293,583, C>A on the plus strand (G>T on the coding strand, the complement: TERT is on the minus strand). VCF-style: chr5-1293583-C-A. GRCh37 (hg19) VCF-style: chr5-1293698-C-A.
Other names: c.1303G>T, p.Val435Leu (NM_001193376.3, NM_003219.1); short protein forms V435L.
Identifiers: ClinVar variation 1718332 (VCV001718332.6), dbSNP rs2478411831, ClinGen allele CA359086306.

ClinVar aggregate classification (germline): Uncertain significance (1 of 4 stars; one submission).

Conditions:
Idiopathic Pulmonary Fibrosis. Also called: Idiopathic fibrosing alveolitis, chronic form; idiopathic fibrosing alveolitis. Identifiers: Orphanet 2032, MedGen C1800706, MeSH D054990, MONDO:0800504.
Dyskeratosis congenita, autosomal dominant 2. Identifiers: MedGen C3151443, MONDO:0013521, OMIM 613989.

Submission:

Labcorp Genetics (formerly Invitae), Labcorp
Classification: Uncertain significance for Dyskeratosis congenita, autosomal dominant 2; Idiopathic Pulmonary Fibrosis. Last evaluated: 2022-08-30. Review status: criteria provided, single submitter. Criteria: Invitae Variant Classification Sherloc (09022015). Collection method: clinical testing. Allele origin: germline.
Comment: In summary, the available evidence is currently insufficient to determine the role of this variant in disease. Therefore, it has been classified as a Variant of Uncertain Significance. Advanced modeling of protein sequence and biophysical properties (such as structural, functional, and spatial information, amino acid conservation, physicochemical variation, residue mobility, and thermodynamic stability) performed at Invitae indicates that this missense variant is not expected to disrupt TERT protein function. This variant has not been reported in the literature in individuals affected with TERT-related conditions. This variant is not present in population databases (gnomAD no frequency). This sequence change replaces valine, which is neutral and non-polar, with leucine, which is neutral and non-polar, at codon 435 of the TERT protein (p.Val435Leu).